The following is an entry in ClinVar:

NM_001080467.3(MYO5B):c.1843C>T (p.Arg615Cys)

Gene: MYO5B (myosin VB; minus strand). Cytogenetic location: 18q21.1.
Variant type: single nucleotide variant.
Coding change: c.1843C>T on transcript NM_001080467.3 (MANE Select); coding-DNA position 1843, C replaced by T.
Protein change: p.Arg615Cys; replaces arginine 615 with cysteine.
Molecular consequence: missense variant.
Genome position (GRCh38, 1-based): chr18:49,937,307, G>A on the plus strand (C>T on the coding strand, the complement: MYO5B is on the minus strand). VCF-style: chr18-49937307-G-A. GRCh37 (hg19) VCF-style: chr18-47463677-G-A.
Other names: short protein forms R615C.
Identifiers: ClinVar variation 1506598 (VCV001506598.5), dbSNP rs186494043, ClinGen allele CA8961353.
Genomic context (GRCh38, chr18:49,937,307, plus strand): 5'-GGTGGCCAACGGTTTTCTTGTGCTCCTTGTTGGAGACTTTCATGGGGGGTCTGGCAGAAC[G>A]GACGCTGATCTTCGAAGATGACCCCTTCCCAGGGGTGGTGGCAGGAACAGGGTCCTTGTC-3'
Protein context (NP_001073936.1, residues 605-625): GKGSSSKISV[Arg615Cys]SARPPMKVSN

ClinVar aggregate classification (germline): Uncertain significance (1 of 4 stars; one submission).

Allele frequency attached by ClinVar (database versions not stated): gnomAD exomes 0.00002 and 0.00004; TOPMed 0.00005; ExAC 0.00007; gnomAD 0.00008; 1000 Genomes Project 30x 0.00016; 1000 Genomes Project 0.00020.
gnomAD v4.1: 45 of 1,614,124 alleles (0.0028%); highest among the groups gnomAD compares: African/African-American, 0.016%; no homozygotes.

Submission:

Labcorp Genetics (formerly Invitae), Labcorp
Classification: Uncertain significance. Last evaluated: 2022-09-27. Review status: criteria provided, single submitter. Criteria: Invitae Variant Classification Sherloc (09022015). Collection method: clinical testing. Allele origin: germline.
Comment: This sequence change replaces arginine, which is basic and polar, with cysteine, which is neutral and slightly polar, at codon 615 of the MYO5B protein (p.Arg615Cys). This variant is present in population databases (rs186494043, gnomAD 0.01%). This variant has not been reported in the literature in individuals affected with MYO5B-related conditions. ClinVar contains an entry for this variant (Variation ID: 1506598). Advanced modeling of protein sequence and biophysical properties (such as structural, functional, and spatial information, amino acid conservation, physicochemical variation, residue mobility, and thermodynamic stability) has been performed at Invitae for this missense variant, however the output from this modeling did not meet the statistical confidence thresholds required to predict the impact of this variant on MYO5B protein function. In summary, the available evidence is currently insufficient to determine the role of this variant in disease. Therefore, it has been classified as a Variant of Uncertain Significance.